The following is an entry in ClinVar:

ClinVar aggregate classification (germline): Pathogenic. Review status: reviewed by expert panel (3 of 4 stars). 2 submissions from 2 submitters: Pathogenic (1). 1 of the submissions does not count toward it. Last evaluated 2021-03-26.

Conditions:
Developmental and epileptic encephalopathy, 2 (DEE2). Also called: CDKL5 deficiency disorder; INFANTILE SPASM SYNDROME, X-LINKED 2. Identifiers: Orphanet 1934, Orphanet 3451, Orphanet 505652, MedGen C4750718, MONDO:0010396, OMIM 300672.
CDKL5 disorder. Identifiers: MedGen CN296942, MONDO:0100039.

Submissions (2):

ClinGen Rett and Angelman-like Disorders Variant Curation Expert Panel
Classification: Pathogenic for CDKL5 disorder. Last evaluated: 2021-03-26. Review status: reviewed by expert panel. Criteria: ClinGen RettAS ACMG Specifications V1. Collection method: curation. Allele origin: germline. Inheritance: X-linked inheritance.
Comment: Multiple pathogenic missense variants have been previously identified within this codon which indicates that this residue is critical to the function of the protein (PMID 23064044, 20397747) (PM5_Strong). The p.Gly20Val variant in CDKL5 is absent from gnomAD (PM2_Supporting). Computational prediction analysis tools suggests a deleterious impact; however, this information does not predict clinical significance on its own (PP3). In summary, the p.Gly20Val variant in CDKL5 is classified as pathogenic for CDKL5-associated disorder based on the ACMG/AMP criteria (PS2, PM5_strong, PM2_supporting, PP3).

Genetic Services Laboratory, University of Chicago
Classification: Likely pathogenic. Last evaluated: 2019-01-08. Review status: criteria provided, single submitter. Criteria: ACMG Guidelines, 2015. Collection method: clinical testing. Allele origin: germline. Affected: yes. Not counted in ClinVar's aggregate classification.
Comment: This sequence change does not appear to have been previously described in patients with CDKL5-related disorders and has also not been described as a known benign sequence change in the CDKL5 gene. However, different pathogenic sequence changes affecting the same amino acid residue (p.Gly20Arg and p.Gly20Asp) have been described in patients with epileptic encephalopathy (White et al., 2010; Raymond et al., 2013). The p.Gly20Val change affects a highly conserved amino acid residue located in the ATP-binding domain of the CDKL5 protein where other missense pathogenic changes have been described. This variant was seen to be present in approximately 27% of reads by next generation sequencing. Sanger sequencing confirmed the presence of this variant with the variant allele peak being a lot smaller than the normal allele peak on the sequence chromatogram, supporting the next generation sequencing finding. This sequence change is likely pathogenic; however functional studies have not been performed to prove this conclusively.

NM_001323289.2(CDKL5):c.59G>T (p.Gly20Val)

Gene: CDKL5 (cyclin dependent kinase like 5; plus strand). Cytogenetic location: Xp22.13.
Variant type: single nucleotide variant.
Coding change: c.59G>T on transcript NM_001323289.2 (MANE Select); coding-DNA position 59, G replaced by T.
Protein change: p.Gly20Val; replaces glycine 20 with valine.
Molecular consequence: missense variant.
Genome position (GRCh38, 1-based): chrX:18,507,155, G>T. VCF-style: chrX-18507155-G-T. GRCh37 (hg19) VCF-style: chrX-18525275-G-T.
Other names: c.59G>T, p.Gly20Val (NM_001037343.2, NM_003159.3); short protein forms G20V.
Identifiers: ClinVar variation 918032 (VCV000918032.8), dbSNP rs786204962, ClinGen allele CA412489610.